The following is an entry in ClinVar:

ClinVar aggregate classification (germline): Uncertain significance (1 of 4 stars; one submission).

Allele frequency attached by ClinVar (database versions not stated): gnomAD exomes below 0.00001; TOPMed 0.00001.
gnomAD v4.1: 4 of 1,614,074 alleles (0.00025%); highest among the groups gnomAD compares: Non-Finnish European, 0.00025%; no homozygotes.

Submission:

Labcorp Genetics (formerly Invitae), Labcorp
Classification: Uncertain significance. Last evaluated: 2023-03-17. Review status: criteria provided, single submitter. Criteria: Invitae Variant Classification Sherloc (09022015). Collection method: clinical testing. Allele origin: germline.
Comment: In summary, the available evidence is currently insufficient to determine the role of this variant in disease. Therefore, it has been classified as a Variant of Uncertain Significance. Experimental studies and prediction algorithms are not available or were not evaluated, and the functional significance of this variant is currently unknown. This variant has not been reported in the literature in individuals affected with HYOU1-related conditions. This variant is not present in population databases (gnomAD no frequency). This sequence change falls in intron 9 of the HYOU1 gene. It does not directly change the encoded amino acid sequence of the HYOU1 protein.

NM_006389.5(HYOU1):c.988-19A>G

Gene: HYOU1 (hypoxia up-regulated 1; minus strand). Cytogenetic location: 11q23.3.
Variant type: single nucleotide variant.
Coding change: c.988-19A>G on transcript NM_006389.5 (MANE Select); 19 bases into the intron before coding-DNA position 988, A replaced by G.
Molecular consequence: intron variant.
Genome position (GRCh38, 1-based): chr11:119,052,448, T>C on the plus strand (A>G on the coding strand, the complement: HYOU1 is on the minus strand). VCF-style: chr11-119052448-T-C. GRCh37 (hg19) VCF-style: chr11-118923160-T-C.
Other names: c.988-19A>G (NM_001130991.3, NM_001411041.1).
Identifiers: ClinVar variation 2989333 (VCV002989333.3), dbSNP rs1944497565, ClinGen allele CA2003807435.